The following is an entry in ClinVar:

ClinVar aggregate classification (germline): Pathogenic. Review status: criteria provided, multiple submitters, no conflicts (2 of 4 stars). 6 submissions from 6 submitters: Pathogenic (4). 2 of the submissions do not count toward it. Last evaluated 2025-12-23.

Conditions:
Gastrointestinal defects and immunodeficiency syndrome 1 (GIDID1). Also called: Combined immunodeficiency-enteropathy spectrum. Identifiers: Orphanet 436252, MedGen C5968858, MONDO:0800030, OMIM 243150.
TTC7A-related disorder. Also called: TTC7A-related condition.
Multiple gastrointestinal atresias. Also called: Multiple intestinal atresia; FAMILIAL INTESTINAL POLYATRESIA SYNDROME. Identifiers: Orphanet 2300, MedGen C0220744, MONDO:0009465.

Submissions (6):

Labcorp Genetics (formerly Invitae), Labcorp
Classification: Pathogenic for Multiple gastrointestinal atresias. Last evaluated: 2025-12-23. Review status: criteria provided, single submitter. Criteria: Invitae Variant Classification Sherloc (09022015). Collection method: clinical testing. Allele origin: germline.
Comment: This sequence change falls in intron 7 of the TTC7A gene. It does not directly change the encoded amino acid sequence of the TTC7A protein. It affects a nucleotide within the consensus splice site. This variant is present in population databases (rs587776971, gnomAD 0.007%). This variant has been observed in individual(s) with gastrointestinal defects and immunodeficiency syndrome (PMID: 23423984, 29879038, 33457482). In at least one individual the data is consistent with being in trans (on the opposite chromosome) from a pathogenic variant. This variant is also known as c.53344_53347delAAGT. Variants that disrupt the consensus splice site are a relatively common cause of aberrant splicing (PMID: 17576681, 9536098). Algorithms developed to predict the effect of sequence changes on RNA splicing suggest that this variant may disrupt the consensus splice site. For these reasons, this variant has been classified as Pathogenic.

Blueprint Genetics
Classification: Pathogenic for TTC7A-related disorders. Last evaluated: 2024-11-21. Review status: criteria provided, single submitter. Criteria: ACMG Guidelines, 2015. Collection method: clinical testing. Allele origin: germline. Affected: yes. Observed: 5 variant alleles.

Aleixo Muise Laboratory, Hospital For Sick Children
Classification: Pathogenic for Gastrointestinal defects and immunodeficiency syndrome 1. Last evaluated: 2024-07-05. Review status: criteria provided, single submitter. Criteria: ACMG Guidelines, 2015. Collection method: research. Allele origin: inherited. Affected: yes. Observed: 1 variant allele.
Comment: PS1;PM2;PM3;PP3;PP4

Fulgent Genetics
Classification: Pathogenic for Gastrointestinal defects and immunodeficiency syndrome 1. Last evaluated: 2024-03-26. Review status: criteria provided, single submitter. Criteria: ACMG Guidelines, 2015. Collection method: clinical testing. Allele origin: germline.

PreventionGenetics, part of Exact Sciences
Classification: Pathogenic for TTC7A-related condition. Last evaluated: 2024-05-04. Review status: no assertion criteria provided. Collection method: clinical testing. Allele origin: germline. Not counted in ClinVar's aggregate classification.
Comment: The TTC7A c.1001+3_1001+6delAAGT variant is predicted to result in an intronic deletion. This variant was reported in the homozygous and compound heterozygous state with a second pathogenic variant in multiple individuals with multiple intestinal atresia (also described as c.53344_53347delAAGT or c.1000delAAGT; Samuels et al. 2013. PubMed ID: 23423984; Chen et al. 2013. PubMed ID: 23830146; Table E1, Stray-Pedersen et al. 2016. PubMed ID: 27577878; Mandiá et al. 2018. PubMed ID: 29879038). This variant is reported in 0.0079% of alleles in individuals of European (Non-Finnish) descent in gnomAD. This variant is interpreted as pathogenic.

OMIM
Classification: Pathogenic for GASTROINTESTINAL DEFECTS AND IMMUNODEFICIENCY SYNDROME 1. Last evaluated: 2013-09-01. Review status: no assertion criteria provided. Collection method: literature only. Allele origin: germline. Not counted in ClinVar's aggregate classification.

Literature cited by the submitters: PubMed 23423984 (cited by Labcorp Genetics (formerly Invitae), Labcorp and OMIM); PubMed 29879038 (cited by Labcorp Genetics (formerly Invitae), Labcorp); PubMed 33457482 (cited by Labcorp Genetics (formerly Invitae), Labcorp); PubMed 17576681 (cited by Labcorp Genetics (formerly Invitae), Labcorp); PubMed 9536098 (cited by Labcorp Genetics (formerly Invitae), Labcorp); PubMed 23830146 (cited by OMIM).

NM_020458.4(TTC7A):c.1001+3_1001+6del

Gene: TTC7A (tetratricopeptide repeat domain 7A; plus strand). Cytogenetic location: 2p21.
Variant type: Microsatellite.
Coding change: c.1001+3_1001+6del on transcript NM_020458.4 (MANE Select); bases 3 to 6 of the intron after coding-DNA position 1001, 4 bases deleted (AAGT; older notation c.1001+3_1001+6delAAGT).
Molecular consequence: splice donor variant. On other transcripts: intron variant (1).
Genome position (GRCh38, 1-based): chr2:46,994,517-46,994,520, AAGT deleted; deleting any 4 consecutive bases within chr2:46,994,513-46,994,520 gives the same sequence; the c. name uses the placement nearest the transcript's 3' end. VCF-style (leftmost placement, unchanged base first): chr2-46994512-CAAGT-C. GRCh37 (hg19) VCF-style: chr2-47221651-CAAGT-C.
Other names: c.899+3_899+6del (NM_001288953.2); c.1001+3_1001+6del (NM_001288951.2, NM_001288951.1); c.-61-619_-61-616del (NM_001288955.2); c.1001+3_1001+6delAAGT (NM_020458.3).
Identifiers: ClinVar variation 50608 (VCV000050608.8), dbSNP rs587776971, ClinGen allele CA143778.